The following is an entry in ClinVar:

ClinVar aggregate classification (germline): Likely benign. Review status: criteria provided, multiple submitters, no conflicts (2 of 4 stars). 4 submissions from 4 submitters: Likely benign (3). 1 of the submissions does not count toward it. Last evaluated 2026-01-26.

Conditions:
POLG-related disorder. Also called: POLG-related condition; POLG-Related Disorders; POLG-Related Spectrum Disorders. Identifiers: MedGen C4763519.
Progressive sclerosing poliodystrophy (MTDPS4A). Also called: Alpers-Huttenlocher Syndrome (AHS); ALPERS PROGRESSIVE INFANTILE POLIODYSTROPHY; Mitochondrial DNA Depletion Syndrome 4A; Mitochondrial DNA depletion syndrome 4A (Alpers type); NEURONAL DEGENERATION OF CHILDHOOD WITH LIVER DISEASE, PROGRESSIVE; Alpers Syndrome. Identifiers: Orphanet 726, MedGen C0205710, MONDO:0008758, OMIM 203700.

Allele frequency attached by ClinVar (database versions not stated): gnomAD 0.00002 and 0.00003; gnomAD exomes 0.00002 and 0.00005; TOPMed 0.00002; ExAC 0.00005; 1000 Genomes Project 30x 0.00016; 1000 Genomes Project 0.00020.

Submissions (4):

Labcorp Genetics (formerly Invitae), Labcorp
Classification: Likely benign for Progressive sclerosing poliodystrophy. Last evaluated: 2026-01-26. Review status: criteria provided, single submitter. Criteria: Invitae Variant Classification Sherloc (09022015). Collection method: clinical testing. Allele origin: germline.

Athena Diagnostics
Classification: Likely benign. Last evaluated: 2023-11-09. Review status: criteria provided, single submitter. Criteria: Athena Diagnostics Criteria. Collection method: clinical testing. Allele origin: unknown.

GeneDx
Classification: Likely benign. Last evaluated: 2017-06-23. Review status: criteria provided, single submitter. Criteria: GeneDx Variant Classification (06012015). Collection method: clinical testing. Allele origin: germline. Affected: yes.
Comment: This variant is considered likely benign or benign based on one or more of the following criteria: it is a conservative change, it occurs at a poorly conserved position in the protein, it is predicted to be benign by multiple in silico algorithms, and/or has population frequency not consistent with disease.

PreventionGenetics, part of Exact Sciences
Classification: Likely benign for POLG-related condition. Last evaluated: 2021-12-09. Review status: no assertion criteria provided. Collection method: clinical testing. Allele origin: germline. Not counted in ClinVar's aggregate classification.
Comment: This variant is classified as likely benign based on ACMG/AMP sequence variant interpretation guidelines (Richards et al. 2015 PMID: 25741868, with internal and published modifications).

NM_002693.3(POLG):c.1965G>A (p.Leu655=)

Gene: POLG (DNA polymerase gamma, catalytic subunit; minus strand). Cytogenetic location: 15q26.1.
Variant type: single nucleotide variant.
Coding change: c.1965G>A on transcript NM_002693.3 (MANE Select); coding-DNA position 1965, G replaced by A.
Protein change: p.Leu655=; no amino-acid change (leucine 655 retained).
Molecular consequence: synonymous variant.
Genome position (GRCh38, 1-based): chr15:89,324,212, C>T on the plus strand (G>A on the coding strand, the complement: POLG is on the minus strand). VCF-style: chr15-89324212-C-T. GRCh37 (hg19) VCF-style: chr15-89867443-C-T.
Other names: c.1965G>A, p.Leu655= (NM_001126131.2).
Identifiers: ClinVar variation 517996 (VCV000517996.10), dbSNP rs543910258, ClinGen allele CA7724630.